The following is an entry in ClinVar:

ClinVar aggregate classification (germline): Likely benign (1 of 4 stars; one submission).

gnomAD v4.1: 230 of 1,589,280 alleles (0.014%); highest among the groups gnomAD compares: Non-Finnish European, 0.018%; no homozygotes.

Submission:

CeGaT Center for Human Genetics Tuebingen
Classification: Likely benign. Last evaluated: 2026-02-01. Review status: criteria provided, single submitter. Criteria: CeGaT Center For Human Genetics Tuebingen Variant Classification Criteria Version 2. Collection method: clinical testing. Allele origin: germline. Affected: yes. Observed: 1 variant allele.
Comment: AFF3: BP4, BS2

NM_001386135.1(AFF3):c.1186G>A (p.Ala396Thr)

Gene: AFF3 (ALF transcription elongation factor 3; minus strand). Cytogenetic location: 2q11.2.
Variant type: single nucleotide variant.
Coding change: c.1186G>A on transcript NM_001386135.1 (MANE Select); coding-DNA position 1186, G replaced by A.
Protein change: p.Ala396Thr; replaces alanine 396 with threonine.
Molecular consequence: missense variant.
Genome position (GRCh38, 1-based): chr2:99,601,620, C>T on the plus strand (G>A on the coding strand, the complement: AFF3 is on the minus strand). VCF-style: chr2-99601620-C-T. GRCh37 (hg19) VCF-style: chr2-100218082-C-T.
Other names: c.1261G>A, p.Ala421Thr (NM_001025108.2); c.1186G>A, p.Ala396Thr (NM_002285.3); short protein forms A396T, A421T.
Identifiers: ClinVar variation 4822319 (VCV004822319.4).
Genomic context (GRCh38, chr2:99,601,620, plus strand): 5'-TGCTGCTGCTGCCCTTGCTGGAAGGCACCGAGGTTCTGCAGTTGGGCTGCTGGACCACGG[C>T]GCTGCCAGCCCGCGAGGCCCCCGGGAAGCAGAGGGAAGGAAAGCCAAGTGAGCAAACAGG-3'
Protein context (NP_001373064.1, residues 386-406): RTALRALSDS[Ala396Thr]VVQQPNCRTS